The following is an entry in ClinVar:

ClinVar aggregate classification (germline): Uncertain significance (1 of 4 stars; one submission).

Conditions:
Paget disease of bone 2, early-onset (PDB2). Also called: Paget disease of bone 2. Identifiers: MedGen C4085251, MONDO:0011183, OMIM 602080.
Frontotemporal dementia and/or amyotrophic lateral sclerosis 1 (FTDALS1). Also called: C9orf72 Frontotemporal Dementia and/or Amyotrophic Lateral Sclerosis; Frontotemporal dementia with motor neuron disease 1. Identifiers: Orphanet 275872, MedGen C5779877, MONDO:0007105, OMIM 105550.

Submission:

Labcorp Genetics (formerly Invitae), Labcorp
Classification: Uncertain significance for Paget disease of bone 2, early-onset; Frontotemporal dementia and/or amyotrophic lateral sclerosis 1. Last evaluated: 2022-03-07. Review status: criteria provided, single submitter. Criteria: Invitae Variant Classification Sherloc (09022015). Collection method: clinical testing. Allele origin: germline.
Comment: Information on the frequency of this variant in the gnomAD database is not available, as this variant may be reported differently in the database. This variant, c.109_115delinsC, is a complex sequence change that results in the deletion of 3 and insertion of 1 amino acid(s) in the SQSTM1 protein (p.Ala37_Ala39delinsPro). This variant has not been reported in the literature in individuals affected with SQSTM1-related conditions. In summary, the available evidence is currently insufficient to determine the role of this variant in disease. Therefore, it has been classified as a Variant of Uncertain Significance. Experimental studies and prediction algorithms are not available or were not evaluated, and the functional significance of this variant is currently unknown.

NM_003900.5(SQSTM1):c.109_115delinsC (p.Ala37_Ala39delinsPro)

Gene: SQSTM1 (sequestosome 1; plus strand). Cytogenetic location: 5q35.3.
Variant type: Indel.
Coding change: c.109_115delinsC on transcript NM_003900.5 (MANE Select); coding-DNA positions 109 to 115, GCTGCGG replaced by C.
Protein change: p.Ala37_Ala39delinsPro.
Molecular consequence: inframe indel. On other transcripts: intron variant (2).
Genome position (GRCh38, 1-based): chr5:179,821,045-179,821,051, GCTGCGG replaced by C. VCF-style: chr5-179821045-GCTGCGG-C. GRCh37 (hg19) VCF-style: chr5-179248045-GCTGCGG-C.
Other names: c.-47-1913_-47-1907delinsC (NM_001142298.2, NM_001142299.2).
Identifiers: ClinVar variation 2105859 (VCV002105859.4), dbSNP rs2480199107, ClinGen allele CA2580074128.